The following is an entry in ClinVar:

NM_002471.4(MYH6):c.3860-15T>G

Gene: MYH6 (myosin heavy chain 6; minus strand). Cytogenetic location: 14q11.2.
Variant type: single nucleotide variant.
Coding change: c.3860-15T>G on transcript NM_002471.4 (MANE Select); 15 bases into the intron before coding-DNA position 3860, T replaced by G.
Molecular consequence: intron variant.
Genome position (GRCh38, 1-based): chr14:23,389,526, A>C on the plus strand (T>G on the coding strand, the complement: MYH6 is on the minus strand). VCF-style: chr14-23389526-A-C. GRCh37 (hg19) VCF-style: chr14-23858735-A-C.
Identifiers: ClinVar variation 44491 (VCV000044491.21), dbSNP rs200883903, ClinGen allele CA134353.

ClinVar aggregate classification (germline): Conflicting classifications of pathogenicity. Review status: criteria provided, conflicting classifications (1 of 4 stars). 10 submissions from 10 submitters: Uncertain significance (1); Benign (1); Likely benign (4). 4 of the submissions do not count toward it. Last evaluated 2026-01-27.

Conditions:
MYH6-related disorder. Also called: MYH6-Related Disorders; MYH6-related condition.
Hypertrophic cardiomyopathy 14. Identifiers: MedGen C2750467, MONDO:0013197, OMIM 613251.

Allele frequency attached by ClinVar (database versions not stated): gnomAD 0.00003 and 0.00004; TOPMed 0.00008; ExAC 0.00013; gnomAD exomes 0.00014; 1000 Genomes Project 30x 0.00031; 1000 Genomes Project 0.00040.
gnomAD v4.1: 58 of 1,614,088 alleles (0.0036%); highest among the groups gnomAD compares: East Asian, 0.074%; no homozygotes.

Submissions (10):

Labcorp Genetics (formerly Invitae), Labcorp
Classification: Likely benign for Hypertrophic cardiomyopathy 14. Last evaluated: 2026-01-27. Review status: criteria provided, single submitter. Criteria: Invitae Variant Classification Sherloc (09022015). Collection method: clinical testing. Allele origin: germline.

PreventionGenetics, part of Exact Sciences
Classification: Likely benign for MYH6-related condition. Last evaluated: 2025-09-23. Review status: criteria provided, single submitter. Criteria: ACMG Guidelines, 2015. Collection method: clinical testing. Allele origin: germline.
Comment: This variant is classified as likely benign based on ACMG/AMP sequence variant interpretation guidelines (Richards et al. 2015 PMID: 25741868, with internal and published modifications).

Blueprint Genetics
Classification: Likely benign. Last evaluated: 2024-03-01. Review status: criteria provided, single submitter. Criteria: ACMG Guidelines, 2015. Collection method: clinical testing. Allele origin: germline.

Women's Health and Genetics/Laboratory Corporation of America, LabCorp
Classification: Benign. Last evaluated: 2023-11-20. Review status: criteria provided, single submitter. Criteria: LabCorp Variant Classification Summary - May 2015. Collection method: clinical testing. Allele origin: germline.

GeneDx
Classification: Likely benign. Last evaluated: 2016-11-01. Review status: criteria provided, single submitter. Criteria: GeneDx Variant Classification (06012015). Collection method: clinical testing. Allele origin: germline. Affected: yes.
Comment: This variant is considered likely benign or benign based on one or more of the following criteria: it is a conservative change, it occurs at a poorly conserved position in the protein, it is predicted to be benign by multiple in silico algorithms, and/or has population frequency not consistent with disease.

Laboratory for Molecular Medicine, Mass General Brigham Personalized Medicine
Classification: Uncertain significance. Last evaluated: 2015-04-04. Review status: criteria provided, single submitter. Criteria: LMM Criteria. Collection method: clinical testing. Allele origin: germline. Observed: 3 variant alleles.
Comment: Variant classified as Uncertain Significance - Favor Benign. It was also identified in 0.2% (16/8654) of East Asian chromosomes by the Exome Aggregation Consortium (ExAC; dbSNP rs 200883903). This variant is located in the 3' splice region. Computational tools do not suggest an impact to splicing. However, this information is not predicti ve enough to determine pathogenicity. In summary, while the clinical significanc e of the c.3860-15T>G variant is uncertain, its frequency suggests that it is mo re likely to be benign.

Clinical Genetics DNA and cytogenetics Diagnostics Lab, Erasmus MC, Erasmus Medical Center
Classification: Likely benign. Review status: no assertion criteria provided. Collection method: clinical testing. Allele origin: germline. Affected: yes. Study: VKGL Data-share Consensus. Not counted in ClinVar's aggregate classification.

Clinical Genetics, Academic Medical Center
Classification: Benign. Review status: no assertion criteria provided. Collection method: clinical testing. Allele origin: germline. Affected: yes. Study: VKGL Data-share Consensus. Not counted in ClinVar's aggregate classification.

Genome Diagnostics Laboratory, University Medical Center Utrecht
Classification: Likely benign. Review status: no assertion criteria provided. Collection method: clinical testing. Allele origin: germline. Affected: yes. Study: VKGL Data-share Consensus. Not counted in ClinVar's aggregate classification.

Joint Genome Diagnostic Labs from Nijmegen and Maastricht, Radboudumc and MUMC+
Classification: Likely benign. Review status: no assertion criteria provided. Collection method: clinical testing. Allele origin: germline. Affected: yes. Study: VKGL Data-share Consensus. Not counted in ClinVar's aggregate classification.